The following is an entry in ClinVar:

NM_000465.4(BARD1):c.1863G>C (p.Met621Ile)

Gene: BARD1 (BRCA1 associated RING domain 1; minus strand). Cytogenetic location: 2q35.
Variant type: single nucleotide variant.
Coding change: c.1863G>C on transcript NM_000465.4 (MANE Select); coding-DNA position 1863, G replaced by C.
Protein change: p.Met621Ile; replaces methionine 621 with isoleucine.
Molecular consequence: missense variant. On other transcripts: non-coding transcript variant (3), intron variant (1).
Genome position (GRCh38, 1-based): chr2:214,745,107, C>G on the plus strand (G>C on the coding strand, the complement: BARD1 is on the minus strand). VCF-style: chr2-214745107-C-G. GRCh37 (hg19) VCF-style: chr2-215609831-C-G.
Other names: c.1806G>C, p.Met602Ile (NM_001282543.2); c.510G>C, p.Met170Ile (NM_001282545.2); c.453G>C, p.Met151Ile (NM_001282548.2); c.365-14599G>C (NM_001282549.2); short protein forms M151I, M170I, M602I, M621I.
Identifiers: ClinVar variation 2774776 (VCV002774776.4), dbSNP rs587782235, ClinGen allele CA350452157.

ClinVar aggregate classification (germline): Uncertain significance. Review status: criteria provided, multiple submitters, no conflicts (2 of 4 stars). 2 submissions from 2 submitters: Uncertain significance (2). Last evaluated 2024-05-13.

Conditions:
Familial cancer of breast. Also called: Hereditary breast cancer; BREAST CANCER, FAMILIAL; hereditary breast carcinoma. Identifiers: Orphanet 227535, MedGen C0346153, MONDO:0016419, OMIM 114480. Disease mechanism: loss of function.
Hereditary cancer-predisposing syndrome. Also called: Neoplastic Syndromes, Hereditary; Tumor predisposition; Hereditary Cancer Syndrome; Hereditary neoplastic syndrome. Identifiers: Orphanet 140162, MedGen C0027672, MeSH D009386, MONDO:0015356.

Allele frequency attached by ClinVar (database versions not stated): gnomAD exomes below 0.00001.

Submissions (2):

Labcorp Genetics (formerly Invitae), Labcorp
Classification: Uncertain significance for Familial cancer of breast. Last evaluated: 2024-05-13. Review status: criteria provided, single submitter. Criteria: Invitae Variant Classification Sherloc (09022015). Collection method: clinical testing. Allele origin: germline.
Comment: This sequence change replaces methionine, which is neutral and non-polar, with isoleucine, which is neutral and non-polar, at codon 621 of the BARD1 protein (p.Met621Ile). This variant is not present in population databases (gnomAD no frequency). This variant has not been reported in the literature in individuals affected with BARD1-related conditions. Algorithms developed to predict the effect of missense changes on protein structure and function output the following: SIFT: "Not Available"; PolyPhen-2: "Benign"; Align-GVGD: "Not Available". The isoleucine amino acid residue is found in multiple mammalian species, which suggests that this missense change does not adversely affect protein function. Experimental studies are conflicting or provide insufficient evidence to determine the effect of this variant on BARD1 function (PMID: 26350354). In summary, the available evidence is currently insufficient to determine the role of this variant in disease. Therefore, it has been classified as a Variant of Uncertain Significance.

Color Diagnostics, LLC DBA Color Health
Classification: Uncertain significance for Hereditary cancer-predisposing syndrome. Last evaluated: 2022-04-18. Review status: criteria provided, single submitter. Criteria: ACMG Guidelines, 2015. Collection method: clinical testing. Allele origin: germline.
Comment: This missense variant replaces methionine with isoleucine at codon 621 of the BARD1 protein. Computational prediction suggests that this variant may not impact protein structure and function (internally defined REVEL score threshold <= 0.5, PMID: 27666373). This variant has been shown to be partially functional in homology directed repair (HDR) assays (PMID: 26350354, 30925164). This variant has not been reported in individuals affected with hereditary cancer in the literature. This variant has not been identified in the general population by the Genome Aggregation Database (gnomAD). The available evidence is insufficient to determine the role of this variant in disease conclusively. Therefore, this variant is classified as a Variant of Uncertain Significance.

Literature cited by the submitters: PubMed 26350354 (cited by Labcorp Genetics (formerly Invitae), Labcorp and Color Diagnostics, LLC DBA Color Health); PubMed 30925164 (cited by Color Diagnostics, LLC DBA Color Health).